The following is an entry in ClinVar:

ClinVar aggregate classification (germline): Pathogenic/Likely pathogenic. Review status: criteria provided, multiple submitters, no conflicts (2 of 4 stars). 3 submissions from 3 submitters: Pathogenic (2); Likely pathogenic (1). Last evaluated 2024-01-17.

Conditions:
Pretibial dystrophic epidermolysis bullosa. Also called: Pretibial epidermolysis bullosa; EPIDERMOLYSIS BULLOSA DYSTROPHICA, PRETIBIAL; Pretibial blistering. Identifiers: Orphanet 79410, MedGen C0432321, MONDO:0007552, OMIM 131850, HP:0012221.
Dominant dystrophic epidermolysis bullosa with absence of skin. Also called: EPIDERMOLYSIS BULLOSA WITH CONGENITAL LOCALIZED ABSENCE OF SKIN AND DEFORMITY OF NAILS; EPIDERMOLYSIS BULLOSA DYSTROPHICA, BART TYPE. Identifiers: MedGen C0268371, MONDO:0007557, OMIM 132000.
Epidermolysis bullosa pruriginosa. Also called: DEB, PRURIGINOSA; DYSTROPHIC EPIDERMOLYSIS BULLOSA PRURIGINOSA. Identifiers: Orphanet 89843, MedGen C1275114, MONDO:0011398, OMIM 604129.
Nonsyndromic congenital nail disorder 8. Also called: TOENAIL DYSTROPHY, ISOLATED. Identifiers: MedGen C1843761, MONDO:0011852, OMIM 607523.
Generalized dominant dystrophic epidermolysis bullosa (DDEB). Also called: DDEB, generalized; DDEB-gen; DYSTROPHIC EPIDERMOLYSIS BULLOSA, AUTOSOMAL DOMINANT; Epidermolysis bullosa dystrophica, autosomal dominant; Dominant DEB (DDEB). Identifiers: Orphanet 231568, MedGen C0432322, MONDO:0007549, OMIM 131750.
Transient bullous dermolysis of the newborn (TBDN). Also called: DYSTROPHIC EPIDERMOLYSIS BULLOSA, NEONATAL; EPIDERMOLYSIS BULLOSA DYSTROPHICA, NEONATAL FORM. Identifiers: Orphanet 79411, MedGen C1851573, MONDO:0007548, OMIM 131705.
Recessive dystrophic epidermolysis bullosa (RDEB). Also called: EPIDERMOLYSIS BULLOSA DYSTROPHICA, GENERALIZED SEVERE, AUTOSOMAL RECESSIVE; Hallopeau-Siemens Disease; Epidermolysis Bullosa Distrophica Autosomal Recessive (RDEB); epidermolysis bullosa dystrophica, autosomal recessive; DYSTROPHIC EPIDERMOLYSIS BULLOSA, AUTOSOMAL RECESSIVE; EPIDERMOLYSIS BULLOSA DYSTROPHICA, HALLOPEAU-SIEMENS TYPE. Identifiers: Orphanet 79408, Orphanet 79409, MedGen C0079474, MONDO:0009179, OMIM 226600.

Submissions (3):

Fulgent Genetics
Classification: Likely pathogenic for Transient bullous dermolysis of the newborn; Generalized dominant dystrophic epidermolysis bullosa; Pretibial dystrophic epidermolysis bullosa; Dominant dystrophic epidermolysis bullosa with absence of skin; Recessive dystrophic epidermolysis bullosa; Epidermolysis bullosa pruriginosa; Nonsyndromic congenital nail disorder 8. Last evaluated: 2024-01-17. Review status: criteria provided, single submitter. Criteria: ACMG Guidelines, 2015. Collection method: clinical testing. Allele origin: germline.

CeGaT Center for Human Genetics Tuebingen
Classification: Pathogenic. Last evaluated: 2023-07-01. Review status: criteria provided, single submitter. Criteria: CeGaT Center For Human Genetics Tuebingen Variant Classification Criteria Version 2. Collection method: clinical testing. Allele origin: germline. Affected: yes. Observed: 1 variant allele.
Comment: COL7A1: PVS1, PM2

Labcorp Genetics (formerly Invitae), Labcorp
Classification: Pathogenic. Last evaluated: 2019-02-08. Review status: criteria provided, single submitter. Criteria: Invitae Variant Classification Sherloc (09022015). Collection method: clinical testing. Allele origin: germline.
Comment: This sequence change creates a premature translational stop signal (p.Gln1886*) in the COL7A1 gene. It is expected to result in an absent or disrupted protein product. For these reasons, this variant has been classified as Pathogenic. Loss-of-function variants in COL7A1 are known to be pathogenic (PMID: 16971478). This variant has not been reported in the literature in individuals with COL7A1-related conditions. This variant is not present in population databases (ExAC no frequency).

Literature cited by the submitters: PubMed 16971478 (cited by Labcorp Genetics (formerly Invitae), Labcorp).

NM_000094.4(COL7A1):c.5656C>T (p.Gln1886Ter)

Gene: COL7A1 (collagen type VII alpha 1 chain; minus strand). Cytogenetic location: 3p21.31.
Variant type: single nucleotide variant.
Coding change: c.5656C>T on transcript NM_000094.4 (MANE Select); coding-DNA position 5656, C replaced by T.
Protein change: p.Gln1886Ter; replaces glutamine 1886 with a stop codon.
Molecular consequence: nonsense.
Genome position (GRCh38, 1-based): chr3:48,576,720, G>A on the plus strand (C>T on the coding strand, the complement: COL7A1 is on the minus strand). VCF-style: chr3-48576720-G-A. GRCh37 (hg19) VCF-style: chr3-48614153-G-A.
Other names: short protein forms Q1886*.
Identifiers: ClinVar variation 851290 (VCV000851290.31), dbSNP rs2044329211, ClinGen allele CA352667929.
Genomic context (GRCh38, chr3:48,576,720, plus strand): 5'-GACCCAGGACACTCACCTGGCCAGGAGGGCCCACTGGCCCTGGGAGGCCTGGAGGCCCCT[G>A]GGGTCCAAGGATACCAGGAGCTCCACGCTCACCCTTGGGGCCATCACGACCCTGTGAAGG-3'